The following is an entry in ClinVar:

ClinVar aggregate classification (germline): Uncertain significance (1 of 4 stars; one submission).

Conditions:
TFE3-related disorder. Also called: TFE3-related condition.

Allele frequency attached by ClinVar (database versions not stated): gnomAD exomes 0.00001; TOPMed 0.00001; gnomAD 0.00002.
gnomAD v4.1: 12 of 1,209,053 alleles (0.00099%); highest among the groups gnomAD compares: Non-Finnish European, 0.00045%; no homozygotes.

Submission:

PreventionGenetics, part of Exact Sciences
Classification: Uncertain significance for TFE3-related condition. Last evaluated: 2022-11-21. Review status: criteria provided, single submitter. Criteria: ACMG Guidelines, 2015. Collection method: clinical testing. Allele origin: germline.
Comment: The TFE3 c.985A>G variant is predicted to result in the amino acid substitution p.Ile329Val. To our knowledge, this variant has not been reported in the literature. This variant is reported in 0.027% of alleles in individuals of Ashkenazi Jewish descent in gnomAD, including in one hemizygous individual. At this time, the clinical significance of this variant is uncertain due to the absence of conclusive functional and genetic evidence.

NM_006521.6(TFE3):c.985A>G (p.Ile329Val)

Gene: TFE3 (transcription factor binding to IGHM enhancer 3; minus strand). Cytogenetic location: Xp11.23.
Variant type: single nucleotide variant.
Coding change: c.985A>G on transcript NM_006521.6 (MANE Select); coding-DNA position 985, A replaced by G.
Protein change: p.Ile329Val; replaces isoleucine 329 with valine.
Molecular consequence: missense variant.
Genome position (GRCh38, 1-based): chrX:49,034,152, T>C on the plus strand (A>G on the coding strand, the complement: TFE3 is on the minus strand). VCF-style: chrX-49034152-T-C. GRCh37 (hg19) VCF-style: chrX-48891667-T-C.
Other names: c.670A>G, p.Ile224Val (NM_001282142.2); short protein forms I224V, I329V.
Identifiers: ClinVar variation 2634042 (VCV002634042.1), dbSNP rs1277025733, ClinGen allele CA412905378.
Genomic context (GRCh38, chrX:49,034,152, plus strand): 5'-GGGTAAAGTGTAGGGCCATGGGGCCAAGACCCTATCACCTACCAGAGATCTCCCGTTTGA[T>C]GTTGGGCAGCTCAGCTGGGCAGGAGTTGCTGACAGTGATGGCTGGTGTGGCCACGCCTTG-3'
Protein context (NP_006512.2, residues 319-339): SNSCPAELPN[Ile329Val]KREISETEAK